The following is an entry in ClinVar:

ClinVar aggregate classification (germline): Uncertain significance (1 of 4 stars; one submission).

Conditions:
Hereditary cancer-predisposing syndrome. Also called: Neoplastic Syndromes, Hereditary; Hereditary Cancer Syndrome; Tumor predisposition; Hereditary neoplastic syndrome. Identifiers: Orphanet 140162, MedGen C0027672, MeSH D009386, MONDO:0015356.

Submission:

Ambry Genetics
Classification: Uncertain significance for Hereditary cancer-predisposing syndrome. Last evaluated: 2024-12-13. Review status: criteria provided, single submitter. Criteria: Ambry Variant Classification Scheme 2023. Collection method: clinical testing. Allele origin: germline.
Comment: The p.G317E variant (also known as c.950G>A), located in coding exon 7 of the SMARCB1 gene, results from a G to A substitution at nucleotide position 950. The glycine at codon 317 is replaced by glutamic acid, an amino acid with similar properties. This amino acid position is conserved. In addition, this alteration is predicted to be deleterious by in silico analysis. Based on the available evidence, the clinical significance of this variant remains unclear.

NM_003073.5(SMARCB1):c.950G>A (p.Gly317Glu)

Gene: SMARCB1 (SWI/SNF related BAF chromatin remodeling complex subunit B1; plus strand). Cytogenetic location: 22q11.23.
Variant type: single nucleotide variant.
Coding change: c.950G>A on transcript NM_003073.5 (MANE Select); coding-DNA position 950, G replaced by A.
Protein change: p.Gly317Glu; replaces glycine 317 with glutamic acid.
Molecular consequence: missense variant.
Genome position (GRCh38, 1-based): chr22:23,825,379, G>A. VCF-style: chr22-23825379-G-A. GRCh37 (hg19) VCF-style: chr22-24167566-G-A.
Other names: c.923G>A, p.Gly308Glu (NM_001007468.3); c.977G>A, p.Gly326Glu (NM_001317946.2); c.1004G>A, p.Gly335Glu (NM_001362877.2); short protein forms G308E, G326E, G335E, G317E.
Identifiers: ClinVar variation 3798949 (VCV003798949.1).